The following is an entry in ClinVar:

ClinVar aggregate classification (germline): Conflicting classifications of pathogenicity. Review status: criteria provided, conflicting classifications (1 of 4 stars). 6 submissions from 6 submitters: Uncertain significance (1); Benign (4); Likely benign (1). Last evaluated 2026-03-01.

Conditions:
Familial sleep-related hypermotor epilepsy. Also called: Autosomal Dominant Sleep-Related Hypermotor (Hyperkinetic) Epilepsy. Identifiers: Orphanet 98784, MedGen C3696898, MONDO:0000030.
Inborn genetic diseases. Identifiers: MedGen C0950123, MeSH D030342.

Allele frequency attached by ClinVar (database versions not stated): gnomAD exomes 0.00030; ExAC 0.00040; 1000 Genomes Project 0.00060; 1000 Genomes Project 30x 0.00062; ESP Exome Variant Server 0.00116; gnomAD 0.00133 and 0.00141; TOPMed 0.00136.
gnomAD v4.1: 482 of 1,610,160 alleles (0.03%); highest among the groups gnomAD compares: African/African-American, 0.53%; 5 homozygotes.

Submissions (6):

CeGaT Center for Human Genetics Tuebingen
Classification: Benign. Last evaluated: 2026-03-01. Review status: criteria provided, single submitter. Criteria: CeGaT Center For Human Genetics Tuebingen Variant Classification Criteria Version 2. Collection method: clinical testing. Allele origin: germline. Affected: yes. Observed: 5 variant alleles.
Comment: CHRNA4: BS1, BS2

Labcorp Genetics (formerly Invitae), Labcorp
Classification: Benign. Last evaluated: 2026-02-03. Review status: criteria provided, single submitter. Criteria: Invitae Variant Classification Sherloc (09022015). Collection method: clinical testing. Allele origin: germline.

Ambry Genetics
Classification: Likely benign for Inborn genetic diseases. Last evaluated: 2021-06-22. Review status: criteria provided, single submitter. Criteria: Ambry Variant Classification Scheme 2023. Collection method: clinical testing. Allele origin: germline.

Mayo Clinic Laboratories, Mayo Clinic
Classification: Benign. Last evaluated: 2020-01-14. Review status: criteria provided, single submitter. Criteria: ACMG Guidelines, 2015. Collection method: clinical testing. Allele origin: germline. Observed: 2 variant alleles.

Eurofins Ntd Llc (ga)
Classification: Uncertain significance. Last evaluated: 2014-12-02. Review status: criteria provided, single submitter. Criteria: EGL Classification Definitions 2015. Collection method: clinical testing. Allele origin: germline. Observed: 1 variant allele, 1 heterozygote.

GeneDx
Classification: Benign. Last evaluated: 2014-03-25. Review status: criteria provided, single submitter. Criteria: GeneDx Variant Classification (06012015). Collection method: clinical testing. Allele origin: germline. Affected: yes.
Comment: This variant is considered likely benign or benign based on one or more of the following criteria: it is a conservative change, it occurs at a poorly conserved position in the protein, it is predicted to be benign by multiple in silico algorithms, and/or has population frequency not consistent with disease.

NM_000744.7(CHRNA4):c.77-4G>A

Gene: CHRNA4 (cholinergic receptor nicotinic alpha 4 subunit; minus strand). Cytogenetic location: 20q13.33.
Variant type: single nucleotide variant.
Coding change: c.77-4G>A on transcript NM_000744.7 (MANE Select); 4 bases into the intron before coding-DNA position 77, G replaced by A.
Molecular consequence: intron variant.
Genome position (GRCh38, 1-based): chr20:63,359,703, C>T on the plus strand (G>A on the coding strand, the complement: CHRNA4 is on the minus strand). VCF-style: chr20-63359703-C-T. GRCh37 (hg19) VCF-style: chr20-61991055-C-T.
Other names: p.?; c.-470-4G>A (NM_001256573.2).
Identifiers: ClinVar variation 136765 (VCV000136765.50), dbSNP rs201123897, ClinGen allele CA232449.